The following is an entry in ClinVar:

ClinVar aggregate classification (germline): Likely pathogenic (1 of 4 stars; one submission).

Conditions:
Autosomal recessive limb-girdle muscular dystrophy. Identifiers: Orphanet 102015, MedGen C2931907, MONDO:0015152.

Submission:

Myriad Genetics, Inc.
Classification: Likely pathogenic for Autosomal recessive limb-girdle muscular dystrophy. Last evaluated: 2022-03-31. Review status: criteria provided, single submitter. Criteria: Myriad Autosomal Dominant, Autosomal Recessive and X-Linked Classification Criteria (2023). Collection method: clinical testing. Allele origin: unknown.
Comment: NM_003494.3(DYSF):c.1434_1435delCT(Y479Pfs*31) is expected to be pathogenic in the context of dysferlinopathy. This variant is predicted to lead to an abnormal or absent protein product due to the creation of a premature termination codon in DYSF, a gene where loss-of-function variants are known to be pathogenic. Please note: this variant was assessed in the context of healthy population screening.

NM_001130987.2(DYSF):c.1530_1531del (p.Tyr511fs)

Gene: DYSF (dysferlin; plus strand). Cytogenetic location: 2p13.2.
Variant type: Deletion.
Coding change: c.1530_1531del on transcript NM_001130987.2 (MANE Select); coding-DNA positions 1530 to 1531, 2 bases deleted (CT; older notation c.1530_1531delCT).
Protein change: p.Tyr511fs; shifts the reading frame from tyrosine 511.
Molecular consequence: frameshift variant.
Genome position (GRCh38, 1-based): chr2:71,539,193-71,539,194, CT deleted. VCF-style (leftmost placement, unchanged base first): chr2-71539192-CCT-C. GRCh37 (hg19) VCF-style: chr2-71766322-CCT-C.
Other names: c.1437_1438del, p.Tyr480fs (NM_001130455.2, NM_001130983.2, NM_001130984.2 and 1 more transcripts); c.1434_1435del, p.Tyr479fs (NM_001130976.2, NM_001130977.2, NM_001130978.2 and 1 more transcripts); c.1527_1528del, p.Tyr510fs (NM_001130979.2, NM_001130980.2, NM_001130981.2); c.1530_1531del, p.Tyr511fs (NM_001130982.2, NM_001130985.2); short protein forms Y479fs, Y480fs, Y510fs, Y511fs.
Identifiers: ClinVar variation 1725723 (VCV001725723.3), dbSNP rs2545584373, ClinGen allele CA2580067768.